The following is an entry in ClinVar:

ClinVar aggregate classification (germline): Uncertain significance. Review status: criteria provided, multiple submitters, no conflicts (2 of 4 stars). 2 submissions from 2 submitters: Uncertain significance (2). Last evaluated 2023-04-14.

Conditions:
Hereditary cancer-predisposing syndrome. Also called: Hereditary neoplastic syndrome; Hereditary Cancer Syndrome; Neoplastic Syndromes, Hereditary; Tumor predisposition. Identifiers: Orphanet 140162, MedGen C0027672, MeSH D009386, MONDO:0015356.

Submissions (2):

Ambry Genetics
Classification: Uncertain significance for Hereditary cancer-predisposing syndrome. Last evaluated: 2023-04-14. Review status: criteria provided, single submitter. Criteria: Ambry Variant Classification Scheme 2023. Collection method: clinical testing. Allele origin: germline.
Comment: The p.E1178* variant (also known as c.3532G>T), located in coding exon 19 of the BRIP1 gene, results from a G to T substitution at nucleotide position 3532. This changes the amino acid from a glutamic acid to a stop codon within coding exon 19. Premature stop codons are typically deleterious in nature, however, this stop codon occurs at the 3' terminus of BRIP1, is not expected to trigger nonsense-mediated mRNA decay, and impacts only the last 71 amino acids of the protein. The exact functional impact of these altered amino acids is unknown at this time. Since supporting evidence is limited at this time, the clinical significance of this alteration remains unclear.

GeneDx
Classification: Uncertain significance. Last evaluated: 2015-11-11. Review status: criteria provided, single submitter. Criteria: GeneDx Variant Classification (06012015). Collection method: clinical testing. Allele origin: germline. Affected: yes.
Comment: This variant is denoted BRIP1 c.3532G>T at the cDNA level and p.Glu1178Ter (E1178X) at the protein level. The substitution creates a nonsense variant, which changes a Glutamic Acid to a premature stop codon (GAA>TAA).. This variant has not, to our knowledge, been reported in the literature. BRIP1 Glu1178Ter results in the loss of 72 amino acids at the end of the protein, which might affect normal function. However, due to the location of the newly created nonsense codon near the end of the gene in the last exon, the transcript is not expected to undergo nonsense-mediated decay and could therefore encode a truncated protein that retains some normal function. In addition, this variant does not disrupt any known protein functional domains (UniProt). BRIP1 Glu1178Ter was not observed in approximately 6,500 individuals of European and African American ancestry in the NHLBI Exome Sequencing Project, indicating it is not a common benign variant in these populations. Based on currently available information, we consider BRIP1 Glu1178Ter to be a variant of uncertain significance.

NM_032043.3(BRIP1):c.3532G>T (p.Glu1178Ter)

Gene: BRIP1 (BRCA1 interacting DNA helicase 1; minus strand). Cytogenetic location: 17q23.2.
Variant type: single nucleotide variant.
Coding change: c.3532G>T on transcript NM_032043.3 (MANE Select); coding-DNA position 3532, G replaced by T.
Protein change: p.Glu1178Ter; replaces glutamic acid 1178 with a stop codon.
Molecular consequence: nonsense.
Genome position (GRCh38, 1-based): chr17:61,683,514, C>A on the plus strand (G>T on the coding strand, the complement: BRIP1 is on the minus strand). VCF-style: chr17-61683514-C-A. GRCh37 (hg19) VCF-style: chr17-59760875-C-A.
Other names: short protein forms E1178*.
Identifiers: ClinVar variation 234607 (VCV000234607.5), dbSNP rs876661115, ClinGen allele CA10577557.
Genomic context (GRCh38, chr17:61,683,514, plus strand): 5'-TTCCATTCAACTTTGTATCTATGCAATCCTCAGCTTTCACTTCTCTGGCTGAATCTACTT[C>A]TTTTATAGTTCTAATTTCAAAAAGGTCTTTAGCTAAAATGCAATCTGAATTGTTAGCCAA-3'